The following is an entry in ClinVar:

NM_001370348.2(PHF3):c.1953C>T (p.Gly651=)

Genes: PHF3 (PHD finger protein 3; plus strand), LOC129996682 (ATAC-STARR-seq lymphoblastoid active region 24722; plus strand). Cytogenetic location: 6q12.
Variant type: single nucleotide variant.
Coding change: c.1953C>T on transcript NM_001370348.2 (MANE Select); coding-DNA position 1953, C replaced by T.
Protein change: p.Gly651=; no amino-acid change (glycine 651 retained).
Molecular consequence: synonymous variant. On other transcripts: intron variant (1).
Genome position (GRCh38, 1-based): chr6:63,685,675, C>T. VCF-style: chr6-63685675-C-T. GRCh37 (hg19) VCF-style: chr6-64395576-C-T.
Other names: c.1689C>T, p.Gly563= (NM_001290259.2, NM_001370349.2); c.1953C>T, p.Gly651= (NM_001290260.2, NM_015153.4); c.-5+5514C>T (NM_001370350.2).
Identifiers: ClinVar variation 4821372 (VCV004821372.4).
Genomic context (GRCh38, chr6:63,685,675, plus strand): 5'-GCAACAGGCCCCAGCAATGAAAACCAATAGTCACGTGAAGGAAGAGCTTGAACACCCAGG[C>T]GTTGAGCATTTTAAGGAAGAGGATAAACTGAAACTGAAAAAACCTGAGAAGAACCTACAA-3'
Protein context (NP_001357277.1, residues 641-661): SHVKEELEHP[Gly651=]VEHFKEEDKL

ClinVar aggregate classification (germline): Likely benign (1 of 4 stars; one submission).

gnomAD v4.1: 17 of 1,613,856 alleles (0.0011%); highest among the groups gnomAD compares: Non-Finnish European, 0.0014%; no homozygotes.

Submission:

CeGaT Center for Human Genetics Tuebingen
Classification: Likely benign. Last evaluated: 2026-02-01. Review status: criteria provided, single submitter. Criteria: CeGaT Center For Human Genetics Tuebingen Variant Classification Criteria Version 2. Collection method: clinical testing. Allele origin: germline. Affected: yes. Observed: 1 variant allele.
Comment: PHF3: BP4, BP7